The following is an entry in ClinVar:

ClinVar aggregate classification (germline): Conflicting classifications of pathogenicity. Review status: criteria provided, conflicting classifications (1 of 4 stars). 13 submissions from 13 submitters: Uncertain significance (12); Likely benign (1). Last evaluated 2026-08-06.

Conditions:
BARD1-related disorder. Also called: BARD1-related condition.
Hereditary cancer-predisposing syndrome. Also called: Neoplastic Syndromes, Hereditary; Tumor predisposition; Hereditary Cancer Syndrome; Hereditary neoplastic syndrome. Identifiers: Orphanet 140162, MedGen C0027672, MeSH D009386, MONDO:0015356.
Hereditary breast ovarian cancer syndrome. Also called: BRCA1- and BRCA2-Associated Hereditary Breast and Ovarian Cancer; Hereditary breast and ovarian cancer; Hereditary breast and ovarian cancer syndrome; Hereditary breast and ovarian cancer syndrome (HBOC); Breast and ovarian cancer; Hereditary breast and/or ovarian cancer syndrome. Identifiers: Orphanet 145, MedGen C0677776, MeSH D061325, MONDO:0003582. Disease mechanism: loss of function.
Familial cancer of breast. Also called: hereditary breast carcinoma; Hereditary breast cancer; BREAST CANCER, FAMILIAL. Identifiers: Orphanet 227535, MedGen C0346153, MONDO:0016419, OMIM 114480. Disease mechanism: loss of function.

Allele frequency attached by ClinVar (database versions not stated): gnomAD exomes 0.00001 and 0.00003; ExAC 0.00002; TOPMed 0.00002; gnomAD 0.00004.
gnomAD v4.1: 55 of 1,614,104 alleles (0.0034%); highest among the groups gnomAD compares: Non-Finnish European, 0.0046%; no homozygotes.

Submissions (13):

OLLIN Analises Genomicas, OLLIN
Classification: Uncertain significance for Familial cancer of breast. Last evaluated: 2026-08-06. Review status: criteria provided, single submitter. Criteria: ACMG Guidelines 2015 PMID 25741868. Collection method: clinical testing. Allele origin: germline.
Comment: This missense variant, located in exon 11 (of 11), has been reported in ClinVar (accession VCV000127736.50) and in gnomAD with an allele frequency of 0.0034%. However, to our knowledge, it has not been reported in the scientific literature. In silico analysis is inconclusive regarding the impact of this variant. This gene has high tolerance to missense variation. According to the currently available evidence, this variant has been classified as uncertain significance (BP1).

Labcorp Genetics (formerly Invitae), Labcorp
Classification: Uncertain significance for Familial cancer of breast. Last evaluated: 2026-01-20. Review status: criteria provided, single submitter. Criteria: Invitae Variant Classification Sherloc (09022015). Collection method: clinical testing. Allele origin: germline.
Comment: This sequence change replaces isoleucine, which is neutral and non-polar, with threonine, which is neutral and polar, at codon 764 of the BARD1 protein (p.Ile764Thr). This variant is present in population databases (rs587780030, gnomAD 0.003%). This missense change has been observed in individual(s) with breast cancer (PMID: 25452441, 31036035). ClinVar contains an entry for this variant (Variation ID: 127736). An algorithm developed to predict the effect of missense changes on protein structure and function (PolyPhen-2) suggests that this variant is likely to be disruptive. RNA analysis performed to evaluate the impact of this missense change on mRNA splicing indicates it does not significantly alter splicing (internal data). In summary, the available evidence is currently insufficient to determine the role of this variant in disease. Therefore, it has been classified as a Variant of Uncertain Significance.

Ambry Genetics
Classification: Uncertain significance for Hereditary cancer-predisposing syndrome. Last evaluated: 2025-02-24. Review status: criteria provided, single submitter. Criteria: Ambry Variant Classification Scheme 2023. Collection method: clinical testing. Allele origin: germline.
Comment: The p.I764T variant (also known as c.2291T>C), located in coding exon 11 of the BARD1 gene, results from a T to C substitution at nucleotide position 2291. The isoleucine at codon 764 is replaced by threonine, an amino acid with similar properties. This variant has been reported in patients with breast cancer as well as in unaffected controls (Couch FJ et al. J Clin Oncol, 2015 Feb;33:304-11; Weber-Lassalle N et al. Breast Cancer Res, 2019 Apr;21:55; (Dumont M et al. Cancers (Basel), 2022 Jul;14:). This amino acid position is well conserved in available vertebrate species. In addition, this alteration is predicted to be tolerated by in silico analysis. Based on the available evidence, the clinical significance of this variant remains unclear.

German Consortium for Hereditary Breast and Ovarian Cancer, University Hospital Cologne
Classification: Likely benign for Hereditary breast ovarian cancer syndrome. Last evaluated: 2024-09-09. Review status: criteria provided, single submitter. Criteria: ACMG Guidelines, 2015. Collection method: curation. Allele origin: germline.
Comment: According to the ACMG SVI adaptation criteria we chose these criteria: BP1 (supporting benign): gnomAD v4.1.0 Z = -0.17, BP4 (supporting benign): BayesDel noAF benign: -0.2087 SpliceAI: no effect predicted

Color Diagnostics, LLC DBA Color Health
Classification: Uncertain significance for Hereditary cancer-predisposing syndrome. Last evaluated: 2024-07-15. Review status: criteria provided, single submitter. Criteria: ACMG Guidelines, 2015. Collection method: clinical testing. Allele origin: germline.
Comment: This missense variant replaces isoleucine with threonine at codon 764 of the BARD1 protein. Computational prediction suggests that this variant may not impact protein structure and function. To our knowledge, functional studies have not been performed for this variant. This variant has been reported in at least one individual affected with breast cancer (PMID: 25452441, 31036035) and in a breast cancer case-control meta-analysis in 7/60466 cases and 2/53461 unaffected individuals (PMID: 33471991; Leiden Open Variation Database DB-ID BARD1_000047). This variant has also been identified in 3/251226 chromosomes in the general population by the Genome Aggregation Database (gnomAD). The available evidence is insufficient to determine the role of this variant in disease conclusively. Therefore, this variant is classified as a Variant of Uncertain Significance.

Baylor Genetics
Classification: Uncertain significance for Familial cancer of breast. Last evaluated: 2024-03-15. Review status: criteria provided, single submitter. Criteria: ACMG Guidelines, 2015. Collection method: clinical testing. Allele origin: unknown.

GeneDx
Classification: Uncertain significance. Last evaluated: 2023-11-03. Review status: criteria provided, single submitter. Criteria: GeneDx Variant Classification Process June 2021. Collection method: clinical testing. Allele origin: germline. Affected: yes.
Comment: Not observed at significant frequency in large population cohorts (gnomAD); In silico analysis supports that this missense variant has a deleterious effect on protein structure/function; Observed in individuals with breast cancer, as well as unaffected controls (PMID: 25452441, 33471991, 31036035); This variant is associated with the following publications: (PMID: 25452441, 31036035, 36530327, 17550235, 33471991)

PreventionGenetics, part of Exact Sciences
Classification: Uncertain significance for BARD1-related condition. Last evaluated: 2023-08-14. Review status: criteria provided, single submitter. Criteria: ACMG Guidelines, 2015. Collection method: clinical testing. Allele origin: germline.
Comment: The BARD1 c.2291T>C variant is predicted to result in the amino acid substitution p.Ile764Thr. This variant has been reported in individuals with breast cancer (Supplementary Table 6, Couch et al. 2015. PubMed ID: 25452441; Table S4, Weber-Lassalle et al. 2019. PubMed ID: 31036035). This variant is reported in 0.0033% of alleles in individuals of South Asian descent in gnomAD and is reported in ClinVar as a variant of uncertain significance. At this time, the clinical significance of this variant is uncertain due to the absence of conclusive functional and genetic evidence.

MGZ Medical Genetics Center
Classification: Uncertain significance for Familial cancer of breast. Last evaluated: 2022-04-04. Review status: criteria provided, single submitter. Criteria: ACMG Guidelines, 2015. Collection method: clinical testing. Allele origin: germline. Affected: yes. Observed: 1 variant allele.
Comment: ACMG criteria applied: PS4_SUP, PM2_SUP, BP4

Women's Health and Genetics/Laboratory Corporation of America, LabCorp
Classification: Uncertain significance. Last evaluated: 2021-07-03. Review status: criteria provided, single submitter. Criteria: LabCorp Variant Classification Summary - May 2015. Collection method: clinical testing. Allele origin: germline.
Comment: Variant summary: BARD1 c.2291T>C (p.Ile764Thr) results in a non-conservative amino acid change located in the BRCT domain (IPR001357) of the encoded protein sequence. Four of five in-silico tools predict a damaging effect of the variant on protein function. The variant allele was found at a frequency of 1.2e-05 in 251226 control chromosomes. The available data on variant occurrences in the general population are insufficient to allow any conclusion about variant significance. c.2291T>C has been reported in the literature in cases as well control individuals affected with Breast Cancer (example, Couch_2015, Weber-Lasalle_2019). These report(s) do not provide unequivocal conclusions about association of the variant with Breast Cancer. To our knowledge, no experimental evidence demonstrating an impact on protein function has been reported. Six clinical diagnostic laboratories have submitted clinical-significance assessments for this variant to ClinVar after 2014 without evidence for independent evaluation. All laboratories classified the variant as uncertain significance. Some submitters cite overlapping evidence utilized in the context of this evaluation. Based on the evidence outlined above, the variant was classified as uncertain significance.

Quest Diagnostics Nichols Institute San Juan Capistrano
Classification: Uncertain significance. Last evaluated: 2021-06-04. Review status: criteria provided, single submitter. Criteria: Quest Diagnostics criteria. Collection method: clinical testing. Allele origin: unknown.

ARUP Laboratories, Molecular Genetics and Genomics, ARUP Laboratories
Classification: Uncertain significance for Familial cancer of breast. Last evaluated: 2021-04-19. Review status: criteria provided, single submitter. Criteria: ARUP Molecular Germline Variant Investigation Process 2021. Collection method: clinical testing. Allele origin: germline.
Comment: The BARD1 c.2291T>C; p.Ile764Thr variant (rs587780030) is reported in the literature in individuals affected with breast cancer (Couch 2014 and Weber-Lassalle 2018). This variant is also reported in ClinVar (Variation ID: 127736) and is found in the general population with an allele frequency of 0.0012% (3/251,226 alleles) in the Genome Aggregation Database. The isoleucine at codon 764 is moderately conserved, and computational analyses are uncertain whether this variant is neutral or deleterious (REVEL: 0.438). Due to limited information, the clinical significance of the p.Ile764Thr variant is uncertain at this time.

Mendelics
Classification: Uncertain significance for Familial cancer of breast. Last evaluated: 2018-07-02. Review status: criteria provided, single submitter. Criteria: Mendelics Assertion Criteria 2017. Collection method: clinical testing. Allele origin: unknown.

Literature cited by the submitters: PubMed 25452441 (cited by 5 submitters); PubMed 31036035 (cited by 5 submitters); PubMed 35884425 (cited by Ambry Genetics); PubMed 33471991 (cited by Color Diagnostics, LLC DBA Color Health and Quest Diagnostics Nichols Institute San Juan Capistrano).

NM_000465.4(BARD1):c.2291T>C (p.Ile764Thr)

Gene: BARD1 (BRCA1 associated RING domain 1; minus strand). Cytogenetic location: 2q35.
Variant type: single nucleotide variant.
Coding change: c.2291T>C on transcript NM_000465.4 (MANE Select); coding-DNA position 2291, T replaced by C.
Protein change: p.Ile764Thr; replaces isoleucine 764 with threonine.
Molecular consequence: missense variant. On other transcripts: non-coding transcript variant (3).
Genome position (GRCh38, 1-based): chr2:214,728,719, A>G on the plus strand (T>C on the coding strand, the complement: BARD1 is on the minus strand). VCF-style: chr2-214728719-A-G. GRCh37 (hg19) VCF-style: chr2-215593443-A-G.
Other names: p.I764T:ATA>ACA; c.2234T>C, p.Ile745Thr (NM_001282543.2); c.938T>C, p.Ile313Thr (NM_001282545.2); c.881T>C, p.Ile294Thr (NM_001282548.2); c.752T>C, p.Ile251Thr (NM_001282549.2); short protein forms I764T, I251T, I294T, I313T, I745T.
Identifiers: ClinVar variation 127736 (VCV000127736.51), dbSNP rs587780030, ClinGen allele CA287541.
Genomic context (GRCh38, chr2:214,728,719, plus strand): 5'-TTCATCTGGTATAATATTCAGCTGTCAAGAGGAAGCAACTCAAAGGACATCACACAGTCT[A>G]TAAACCAGCTCGAAGGAGCCTTCCAGACTTTGCCCTGCCGAACCCTCTCTGGGTGATAAT-3'
Protein context (NP_000456.2, residues 754-774): KVWKAPSSWF[Ile764Thr]DCVMSFELLP